The following is an entry in ClinVar:

NM_000135.4(FANCA):c.919C>T (p.Leu307Phe)

Gene: FANCA (FA complementation group A; minus strand). Cytogenetic location: 16q24.3.
Variant type: single nucleotide variant.
Coding change: c.919C>T on transcript NM_000135.4 (MANE Select); coding-DNA position 919, C replaced by T.
Protein change: p.Leu307Phe; replaces leucine 307 with phenylalanine.
Molecular consequence: missense variant.
Genome position (GRCh38, 1-based): chr16:89,795,993, G>A on the plus strand (C>T on the coding strand, the complement: FANCA is on the minus strand). VCF-style: chr16-89795993-G-A. GRCh37 (hg19) VCF-style: chr16-89862401-G-A.
Other names: c.919C>T, p.Leu307Phe (NM_001286167.3); c.919C>T (NM_000135.3); short protein forms L307F.
Identifiers: ClinVar variation 3512644 (VCV003512644.2).

ClinVar aggregate classification (germline): Uncertain significance. Review status: criteria provided, multiple submitters, no conflicts (2 of 4 stars). 2 submissions from 2 submitters: Uncertain significance (2). Last evaluated 2025-03-11.

Conditions:
Inborn genetic diseases. Identifiers: MedGen C0950123, MeSH D030342.

Submissions (2):

Quest Diagnostics Nichols Institute San Juan Capistrano
Classification: Uncertain significance. Last evaluated: 2025-03-11. Review status: criteria provided, single submitter. Criteria: Quest Diagnostics criteria. Collection method: clinical testing. Allele origin: unknown.
Comment: The FANCA c.919C>T (p.Leu307Phe) variant has not been reported in individuals with FANCA-related conditions in the published literature. It also has not been reported in large, multi-ethnic general populations (Genome Aggregation Database). Analysis of this variant using bioinformatics tools for the prediction of the effect of amino acid changes on protein structure and function yielded predictions that this variant is benign. Based on the available information, we are unable to determine the clinical significance of this variant.

Ambry Genetics
Classification: Uncertain significance for Inborn genetic diseases. Last evaluated: 2024-11-21. Review status: criteria provided, single submitter. Criteria: Ambry Variant Classification Scheme 2023. Collection method: clinical testing. Allele origin: germline.
Comment: The p.L307F variant (also known as c.919C>T), located in coding exon 11 of the FANCA gene, results from a C to T substitution at nucleotide position 919. The leucine at codon 307 is replaced by phenylalanine, an amino acid with highly similar properties. This amino acid position is conserved. In addition, this alteration is predicted to be tolerated by in silico analysis. Based on the available evidence, the clinical significance of this variant remains unclear.